The following is an entry in ClinVar:

ClinVar aggregate classification (germline): Uncertain significance (1 of 4 stars; one submission).

Conditions:
Bethlem myopathy 1A. Also called: Bethlem myopathy 1; Bethlem Muscular Dystrophy; MYOPATHY, BENIGN CONGENITAL, WITH CONTRACTURES. Identifiers: Orphanet 610, MedGen CN029274, MONDO:0024530, OMIM 158810.

Allele frequency attached by ClinVar (database versions not stated): TOPMed 0.00001; ExAC 0.00002.
gnomAD v4.1: 2 of 1,613,930 alleles (0.00012%); highest among the groups gnomAD compares: East Asian, 0.0045%; no homozygotes.

Submission:

Labcorp Genetics (formerly Invitae), Labcorp
Classification: Uncertain significance for Bethlem myopathy 1A. Last evaluated: 2021-08-21. Review status: criteria provided, single submitter. Criteria: Invitae Variant Classification Sherloc (09022015). Collection method: clinical testing. Allele origin: germline.
Comment: This sequence change replaces leucine with valine at codon 57 of the COL6A3 protein (p.Leu57Val). The leucine residue is moderately conserved and there is a small physicochemical difference between leucine and valine. This variant is present in population databases (rs765665120, ExAC 0.02%). This variant has not been reported in the literature in individuals affected with COL6A3-related conditions. Advanced modeling of protein sequence and biophysical properties (such as structural, functional, and spatial information, amino acid conservation, physicochemical variation, residue mobility, and thermodynamic stability) performed at Invitae indicates that this missense variant is not expected to disrupt COL6A3 protein function. In summary, the available evidence is currently insufficient to determine the role of this variant in disease. Therefore, it has been classified as a Variant of Uncertain Significance.

NM_004369.4(COL6A3):c.169C>G (p.Leu57Val)

Gene: COL6A3 (collagen type VI alpha 3 chain; minus strand). Cytogenetic location: 2q37.3.
Variant type: single nucleotide variant.
Coding change: c.169C>G on transcript NM_004369.4 (MANE Select); coding-DNA position 169, C replaced by G.
Protein change: p.Leu57Val; replaces leucine 57 with valine.
Molecular consequence: missense variant. On other transcripts: intron variant (4).
Genome position (GRCh38, 1-based): chr2:237,395,127, G>C on the plus strand (C>G on the coding strand, the complement: COL6A3 is on the minus strand). VCF-style: chr2-237395127-G-C. GRCh37 (hg19) VCF-style: chr2-238303770-G-C.
Other names: c.91+1600C>G (NM_057166.5, NM_057167.4, NM_057164.5 and 1 more transcripts); short protein forms L57V.
Identifiers: ClinVar variation 1376764 (VCV001376764.6), dbSNP rs765665120, ClinGen allele CA2189925.